The following is an entry in ClinVar:

NM_033100.4(CDHR1):c.1720C>G (p.Pro574Ala)

Gene: CDHR1 (cadherin related family member 1; plus strand). Cytogenetic location: 10q23.1.
Variant type: single nucleotide variant.
Coding change: c.1720C>G on transcript NM_033100.4 (MANE Select); coding-DNA position 1720, C replaced by G.
Protein change: p.Pro574Ala; replaces proline 574 with alanine.
Molecular consequence: missense variant.
Genome position (GRCh38, 1-based): chr10:84,212,345, C>G. VCF-style: chr10-84212345-C-G. GRCh37 (hg19) VCF-style: chr10-85972101-C-G.
Other names: c.1720C>G, p.Pro574Ala (NM_001171971.3); short protein forms P574A.
Identifiers: ClinVar variation 1456736 (VCV001456736.9), dbSNP rs746501731, ClinGen allele CA377378102.
Genomic context (GRCh38, chr10:84,212,345, plus strand): 5'-GAAGGCAAGTACAGCGTAGCTGAGGTGTTTATCACACTGCTGGATGTCAATGACCACCCC[C>G]CTCAGTTTGGAAAGAGCGTTCAGAAGAAGACGATGGTGCTAGGGACCCCAGTGAAAATTG-3'
Protein context (NP_149091.1, residues 564-584): ITLLDVNDHP[Pro574Ala]QFGKSVQKKT

ClinVar aggregate classification (germline): Conflicting classifications of pathogenicity. Review status: criteria provided, conflicting classifications (1 of 4 stars). 4 submissions from 4 submitters: Pathogenic (1); Likely pathogenic (2); Uncertain significance (1). Last evaluated 2025-03-31.

Conditions:
Retinal dystrophy. Also called: Inherited retinal dystrophy. Identifiers: Orphanet 71862, MedGen C0854723, MeSH D058499, MONDO:0019118, HP:0000556.
CDHR1-related disorders.
Cone-rod dystrophy 15 (CORD15). Identifiers: MedGen C3150912, MONDO:0013348, OMIM 613660.

Allele frequency attached by ClinVar (database versions not stated): gnomAD 0.00001.
gnomAD v4.1: 3 of 1,614,068 alleles (0.00019%); highest among the groups gnomAD compares: Admixed American, 0.0017%; no homozygotes.

Submissions (4):

Labcorp Genetics (formerly Invitae), Labcorp
Classification: Pathogenic. Last evaluated: 2025-03-31. Review status: criteria provided, single submitter. Criteria: Invitae Variant Classification Sherloc (09022015). Collection method: clinical testing. Allele origin: germline.
Comment: This sequence change replaces proline, which is neutral and non-polar, with alanine, which is neutral and non-polar, at codon 574 of the CDHR1 protein (p.Pro574Ala). This variant is not present in population databases (gnomAD no frequency). This missense change has been observed in individuals with retinitis pigmentosa (PMID: 26350383; internal data.). It has also been observed to segregate with disease in related individuals. ClinVar contains an entry for this variant (Variation ID: 1456736). Invitae Evidence Modeling of protein sequence and biophysical properties (such as structural, functional, and spatial information, amino acid conservation, physicochemical variation, residue mobility, and thermodynamic stability) indicates that this missense variant is expected to disrupt CDHR1 protein function with a positive predictive value of 80%. For these reasons, this variant has been classified as Pathogenic.

Blueprint Genetics
Classification: Likely pathogenic for CDHR1-related disorders. Last evaluated: 2022-12-30. Review status: criteria provided, single submitter. Criteria: ACMG Guidelines, 2015. Collection method: clinical testing. Allele origin: germline. Affected: yes. Observed: 1 variant allele.

Department of Pathology and Laboratory Medicine, Sinai Health System
Classification: Uncertain significance for cone-rod dystrophy 15. Last evaluated: 2022-09-29. Review status: criteria provided, single submitter. Criteria: ACMG Guidelines, 2015. Collection method: research. Allele origin: germline.

Institute of Human Genetics, Univ. Regensburg, Univ. Regensburg
Classification: Likely pathogenic for Retinal dystrophy. Last evaluated: 2019-01-01. Review status: criteria provided, single submitter. Criteria: ACMG Guidelines, 2015. Collection method: clinical testing. Allele origin: germline. Affected: yes.

Literature cited by the submitters: PubMed 26350383 (cited by Labcorp Genetics (formerly Invitae), Labcorp and Institute of Human Genetics, Univ. Regensburg, Univ. Regensburg); PubMed 3511945 (cited by Institute of Human Genetics, Univ. Regensburg, Univ. Regensburg).